The following is an entry in ClinVar:

ClinVar aggregate classification (germline): Benign/Likely benign. Review status: criteria provided, multiple submitters, no conflicts (2 of 4 stars). 3 submissions from 3 submitters: Benign (1); Likely benign (2). Last evaluated 2025-11-18.

Conditions:
Hereditary cancer-predisposing syndrome. Also called: Hereditary neoplastic syndrome; Neoplastic Syndromes, Hereditary; Tumor predisposition; Hereditary Cancer Syndrome. Identifiers: Orphanet 140162, MedGen C0027672, MeSH D009386, MONDO:0015356.
Familial adenomatous polyposis 1 (FAP1). Also called: FAMILIAL ADENOMATOUS POLYPOSIS 1, ATTENUATED; POLYPOSIS, ADENOMATOUS INTESTINAL. Identifiers: MedGen C2713442, MONDO:0021056, OMIM 175100. Disease mechanism: loss of function.

Submissions (3):

Ambry Genetics
Classification: Likely benign for Hereditary cancer-predisposing syndrome. Last evaluated: 2025-11-18. Review status: criteria provided, single submitter. Criteria: Ambry Variant Classification Scheme 2023. Collection method: clinical testing. Allele origin: germline.

Labcorp Genetics (formerly Invitae), Labcorp
Classification: Likely benign for Familial adenomatous polyposis 1. Last evaluated: 2025-05-21. Review status: criteria provided, single submitter. Criteria: Invitae Variant Classification Sherloc (09022015). Collection method: clinical testing. Allele origin: germline.

Myriad Genetics, Inc.
Classification: Benign for Familial adenomatous polyposis 1. Last evaluated: 2024-03-28. Review status: criteria provided, single submitter. Criteria: Myriad Autosomal Dominant, Autosomal Recessive and X-Linked Classification Criteria (2023). Collection method: clinical testing. Allele origin: unknown.
Comment: This variant is considered benign. This variant is a silent/synonymous amino acid change and it is not expected to impact splicing.

NM_000038.6(APC):c.4887T>C (p.His1629=)

Gene: APC (APC regulator of Wnt signaling pathway; plus strand). Cytogenetic location: 5q22.2.
Variant type: single nucleotide variant.
Coding change: c.4887T>C on transcript NM_000038.6 (MANE Select); coding-DNA position 4887, T replaced by C.
Protein change: p.His1629=; no amino-acid change (histidine 1629 retained).
Molecular consequence: synonymous variant. On other transcripts: non-coding transcript variant (2).
Genome position (GRCh38, 1-based): chr5:112,840,481, T>C. VCF-style: chr5-112840481-T-C. GRCh37 (hg19) VCF-style: chr5-112176178-T-C.
Other names: c.4887T>C, p.His1629= (NM_001127510.3, NM_001354895.2, NM_001407450.1); c.4833T>C, p.His1611= (NM_001127511.3); c.4941T>C, p.His1647= (NM_001354896.2, NM_001407447.1, NM_001407448.1 and 1 more transcripts); c.4917T>C, p.His1639= (NM_001354897.2); c.4812T>C, p.His1604= (NM_001354898.2); c.4803T>C, p.His1601= (NM_001354899.2); c.4764T>C, p.His1588= (NM_001354900.2); c.4710T>C, p.His1570= (NM_001354901.2, NM_001407453.1); and 12 more.
Identifiers: ClinVar variation 2782582 (VCV002782582.5), dbSNP rs2149926544, ClinGen allele CA446208106.